The following is an entry in ClinVar:

NM_001048174.2(MUTYH):c.407G>T (p.Ser136Ile)

Gene: MUTYH (mutY DNA glycosylase; minus strand). Cytogenetic location: 1p34.1.
Variant type: single nucleotide variant.
Coding change: c.407G>T on transcript NM_001048174.2 (MANE Select); coding-DNA position 407, G replaced by T.
Protein change: p.Ser136Ile; replaces serine 136 with isoleucine.
Molecular consequence: missense variant. On other transcripts: intron variant (4), non-coding transcript variant (6).
Genome position (GRCh38, 1-based): chr1:45,332,931, C>A on the plus strand (G>T on the coding strand, the complement: MUTYH is on the minus strand). VCF-style: chr1-45332931-C-A. GRCh37 (hg19) VCF-style: chr1-45798603-C-A.
Other names: c.407G>T, p.Ser136Ile (NM_001048171.2, NM_001048173.2, NM_001407072.1 and 5 more transcripts); c.410G>T, p.Ser137Ile (NM_001048172.2, NM_001407071.1, NM_001407078.1 and 1 more transcripts); c.323G>T, p.Ser108Ile (NM_001407075.1); c.440G>T, p.Ser147Ile (NM_001407077.1, NM_001293191.2); c.62G>T, p.Ser21Ile (NM_001407082.1, NM_001350650.2, NM_001350651.2); c.449G>T, p.Ser150Ile (NM_001407083.1, NM_001407085.1); c.421-97G>T (NM_001407073.1); c.454-97G>T (NM_001407069.1); and 7 more; short protein forms S137I, S150I, S44I, S108I, S136I, S147I, S151I, S164I.
Identifiers: ClinVar variation 4113689 (VCV004113689.1).

ClinVar aggregate classification (germline): Uncertain significance (1 of 4 stars; one submission).

Conditions:
Hereditary cancer-predisposing syndrome. Also called: Hereditary neoplastic syndrome; Neoplastic Syndromes, Hereditary; Tumor predisposition; Hereditary Cancer Syndrome. Identifiers: Orphanet 140162, MedGen C0027672, MeSH D009386, MONDO:0015356.

Submission:

Ambry Genetics
Classification: Uncertain significance for Hereditary cancer-predisposing syndrome. Last evaluated: 2025-08-27. Review status: criteria provided, single submitter. Criteria: Ambry Variant Classification Scheme 2023. Collection method: clinical testing. Allele origin: germline.
Comment: The p.S164I variant (also known as c.491G>T), located in coding exon 6 of the MUTYH gene, results from a G to T substitution at nucleotide position 491. The serine at codon 164 is replaced by isoleucine, an amino acid with dissimilar properties. This amino acid position is conserved. In addition, the in silico prediction for this alteration is inconclusive. Based on the available evidence, the clinical significance of this variant remains unclear.